The following is an entry in ClinVar:

NM_001164508.2(NEB):c.25037A>G (p.Gln8346Arg)

Genes: RIF1 (replication timing regulatory factor 1; plus strand), NEB (nebulin; minus strand). Cytogenetic location: 2q23.3.
Variant type: single nucleotide variant.
Coding change: c.25037A>G on transcript NM_001164508.2 (MANE Select); coding-DNA position 25037, A replaced by G.
Protein change: p.Gln8346Arg; replaces glutamine 8346 with arginine.
Molecular consequence: missense variant.
Genome position (GRCh38, 1-based): chr2:151,492,118, T>C on the plus strand (A>G on the coding strand, the complement: NEB is on the minus strand). VCF-style: chr2-151492118-T-C. GRCh37 (hg19) VCF-style: chr2-152348632-T-C.
Other names: c.25037A>G, p.Gln8346Arg (NM_001164507.2); c.25142A>G, p.Gln8381Arg (NM_001271208.2); c.19469A>G, p.Gln6490Arg (NM_004543.5); short protein forms Q6490R, Q8346R, Q8381R.
Identifiers: ClinVar variation 1026689 (VCV001026689.8), dbSNP rs2057118708, ClinGen allele CA348773270.

ClinVar aggregate classification (germline): Uncertain significance (1 of 4 stars; one submission).

Conditions:
Nemaline myopathy 2 (NEM2). Also called: Nemaline myopathy 2, autosomal recessive. Identifiers: MedGen C1850569, MONDO:0009725, OMIM 256030.

Allele frequency attached by ClinVar (database versions not stated): gnomAD exomes below 0.00001.
gnomAD v4.1: 1 of 1,613,954 alleles (0.000062%); highest among the groups gnomAD compares: Non-Finnish European, 0.000085%; no homozygotes.

Submission:

Labcorp Genetics (formerly Invitae), Labcorp
Classification: Uncertain significance for Nemaline myopathy 2. Last evaluated: 2022-06-13. Review status: criteria provided, single submitter. Criteria: Invitae Variant Classification Sherloc (09022015). Collection method: clinical testing. Allele origin: germline.
Comment: In summary, the available evidence is currently insufficient to determine the role of this variant in disease. Therefore, it has been classified as a Variant of Uncertain Significance. Algorithms developed to predict the effect of missense changes on protein structure and function are either unavailable or do not agree on the potential impact of this missense change (SIFT: "Tolerated"; PolyPhen-2: "Not Available"; Align-GVGD: "Class C0"). ClinVar contains an entry for this variant (Variation ID: 1026689). This variant has not been reported in the literature in individuals affected with NEB-related conditions. This variant is not present in population databases (gnomAD no frequency). This sequence change replaces glutamine, which is neutral and polar, with arginine, which is basic and polar, at codon 8381 of the NEB protein (p.Gln8381Arg).